The following is an entry in ClinVar:

ClinVar aggregate classification (germline): Uncertain significance (1 of 4 stars; one submission).

Submission:

Ambry Genetics
Classification: Uncertain significance. Last evaluated: 2026-07-11. Review status: criteria provided, single submitter. Criteria: Ambry Variant Classification Scheme 2023. Collection method: clinical testing. Allele origin: germline.
Comment: The p.C873Y variant (also known as c.2618G>A), located in coding exon 11 of the WNK2 gene, results from a G to A substitution at nucleotide position 2618. The cysteine at codon 873 is replaced by tyrosine, an amino acid with highly dissimilar properties. This amino acid position is conserved. In addition, the in silico prediction for this alteration is inconclusive. Based on the available evidence, the clinical significance of this variant remains unclear.

NM_006648.4(WNK2):c.2618G>A (p.Cys873Tyr)

Gene: WNK2 (WNK lysine deficient protein kinase 2; plus strand). Cytogenetic location: 9q22.31.
Variant type: single nucleotide variant.
Coding change: c.2618G>A on transcript NM_006648.4 (MANE Select); coding-DNA position 2618, G replaced by A.
Protein change: p.Cys873Tyr; replaces cysteine 873 with tyrosine.
Molecular consequence: missense variant.
Genome position (GRCh38, 1-based): chr9:93,259,166, G>A. VCF-style: chr9-93259166-G-A. GRCh37 (hg19) VCF-style: chr9-96021448-G-A.
Other names: c.2618G>A, p.Cys873Tyr (NM_001282394.3); short protein forms C873Y.
Identifiers: ClinVar variation 5031842 (VCV005031842.1).